The following is an entry in ClinVar:

NM_000090.4(COL3A1):c.898-2A>T

Gene: COL3A1 (collagen type III alpha 1 chain; plus strand). Cytogenetic location: 2q32.2.
Variant type: single nucleotide variant.
Coding change: c.898-2A>T on transcript NM_000090.4 (MANE Select); the canonical splice acceptor site of the intron before coding-DNA position 898, A replaced by T.
Molecular consequence: splice acceptor variant.
Genome position (GRCh38, 1-based): chr2:188,991,667, A>T. VCF-style: chr2-188991667-A-T. GRCh37 (hg19) VCF-style: chr2-189856393-A-T.
Identifiers: ClinVar variation 3377025 (VCV003377025.1).

ClinVar aggregate classification (germline): Likely pathogenic (1 of 4 stars; one submission).

Conditions:
Ehlers-Danlos syndrome, type 4 (EDSVASC). Also called: Ehlers-Danlos syndrome vascular type; Ehlers Danlos syndrome, ecchymotic type; Ehlers Danlos syndrome, arterial type; Ehlers Danlos syndrome, Sack-Barabas type; Ehlers-Danlos Syndrome Type IV. Identifiers: Orphanet 286, MedGen C0268338, MONDO:0017314, OMIM 130050.

Submission:

Victorian Clinical Genetics Services, Murdoch Childrens Research Institute
Classification: Likely pathogenic for Ehlers-Danlos syndrome, type 4. Last evaluated: 2024-10-10. Review status: criteria provided, single submitter. Criteria: ACMG Guidelines, 2015. Collection method: clinical testing. Allele origin: germline. Inheritance: Autosomal dominant inheritance. Affected: yes.
Comment: Based on the classification scheme VCGS_Germline_v1.3.5, this variant is classified as Likely Pathogenic. Following criteria are met: 0103 - Dominant negative and loss of function are known mechanisms of disease in this gene. Dominant negative is due to missense variants affecting glycine residues in the Gly-X-Y repeat within the triple helical region, while loss of function is due to null alleles (PMID: 29346445). (I) 0108 - This gene is associated with both recessive and dominant disease. There is currently no genotype-phenotype correlation between autosomal dominant Ehlers-Danlos syndrome (EDS), vascular type (MIM#130050) and autosomal recessive polymicrogyria with or without vascular-type EDS (MIM#618343). (I) 0112 - The condition associated with this gene has incomplete penetrance. This is associated with COL3A1 null variants (PMID: 20301667). (I) 0115 - Variants in this gene are known to have variable expressivity (PMID: 20301667). (I) 0211 - Canonical splice site variant without proven consequence on splicing (no functional evidence available). (SP) 0251 - This variant is heterozygous. (I) 0301 - Variant is absent from gnomAD (v2, v3 and v4). (SP) 0505 - Abnormal splicing is predicted by in silico tools and affected nucleotide is highly conserved. (SP) 0702 - Other splice variants comparable to the one identified in this case have strong previous evidence for pathogenicity. Variants in this canonical splice region, c.898-2A>G, c.898-1G>A and c.898-1G>C, have multiple likely pathogenic and pathogenic reports (ClinVar, LOVD). (SP) 0807 - This variant has no previous evidence of pathogenicity. (I) 0905 - No published segregation evidence has been identified for this variant. (I) 1007 - No published functional evidence has been identified for this variant. (I) 1208 - Inheritance information for this variant is not currently available in this individual. (I) Legend: (SP) - Supporting pathogenic, (I) - Information, (SB) - Supporting benign

Literature cited by the submitters: PubMed 20301667; PubMed 29346445.